The following is an entry in ClinVar:

ClinVar aggregate classification (germline): Uncertain significance. Review status: criteria provided, multiple submitters, no conflicts (2 of 4 stars). 2 submissions from 2 submitters: Uncertain significance (2). Last evaluated 2025-04-17.

Conditions:
Congenital myasthenic syndrome 12 (CMS12). Also called: Myasthenia, congenital, 12, with tubular aggregates; MYASTHENIC SYNDROME, CONGENITAL, WITH TUBULAR AGGREGATES 1. Identifiers: Orphanet 353327, Orphanet 590, MedGen C3552335, MONDO:0012518, OMIM 610542.

Allele frequency attached by ClinVar (database versions not stated): gnomAD exomes below 0.00001 and 0.00001; ExAC 0.00001; TOPMed 0.00002.
gnomAD v4.1: 9 of 1,614,172 alleles (0.00056%); highest among the groups gnomAD compares: Non-Finnish European, 0.00076%; no homozygotes.

Submissions (2):

Women's Health and Genetics/Laboratory Corporation of America, LabCorp
Classification: Uncertain significance. Last evaluated: 2025-04-17. Review status: criteria provided, single submitter. Criteria: LabCorp Variant Classification Summary - May 2015. Collection method: clinical testing. Allele origin: germline.
Comment: Variant summary: GFPT1 c.338A>G (p.Asp113Gly) results in a non-conservative amino acid change located in the Glucosamine-fructose-6-phosphate aminotransferase, isomerising, N-terminal domain (IPR047084) of the encoded protein sequence. Three of five in-silico tools predict a benign effect of the variant on protein function. The variant allele was found at a frequency of 4e-06 in 251398 control chromosomes. The available data on variant occurrences in the general population are insufficient to allow any conclusion about variant significance. c.338A>G has been observed in an individual affected with Congenital Myasthenic Syndrome (Selcen_2013). These report(s) do not provide unequivocal conclusions about association of the variant with Congenital Myasthenic Syndrome. To our knowledge, no experimental evidence demonstrating an impact on protein function has been reported. The following publication have been ascertained in the context of this evaluation (PMID: 23794683). ClinVar contains an entry for this variant (Variation ID: 834413). Based on the evidence outlined above, the variant was classified as uncertain significance.

Labcorp Genetics (formerly Invitae), Labcorp
Classification: Uncertain significance for Congenital myasthenic syndrome 12. Last evaluated: 2022-11-28. Review status: criteria provided, single submitter. Criteria: Invitae Variant Classification Sherloc (09022015). Collection method: clinical testing. Allele origin: germline.
Comment: This sequence change replaces aspartic acid, which is acidic and polar, with glycine, which is neutral and non-polar, at codon 113 of the GFPT1 protein (p.Asp113Gly). This variant is not present in population databases (gnomAD no frequency). This missense change has been observed in individual(s) with limb-girdle myasthenia (PMID: 23794683). ClinVar contains an entry for this variant (Variation ID: 834413). Advanced modeling of protein sequence and biophysical properties (such as structural, functional, and spatial information, amino acid conservation, physicochemical variation, residue mobility, and thermodynamic stability) performed at Invitae indicates that this missense variant is not expected to disrupt GFPT1 protein function. Algorithms developed to predict the effect of sequence changes on RNA splicing suggest that this variant may create or strengthen a splice site. In summary, the available evidence is currently insufficient to determine the role of this variant in disease. Therefore, it has been classified as a Variant of Uncertain Significance.

Literature cited by the submitters: PubMed 23794683 (cited by Women's Health and Genetics/Laboratory Corporation of America, LabCorp and Labcorp Genetics (formerly Invitae), Labcorp).

NM_001244710.2(GFPT1):c.338A>G (p.Asp113Gly)

Gene: GFPT1 (glutamine--fructose-6-phosphate transaminase 1; minus strand). Cytogenetic location: 2p13.3.
Variant type: single nucleotide variant.
Coding change: c.338A>G on transcript NM_001244710.2 (MANE Select); coding-DNA position 338, A replaced by G.
Protein change: p.Asp113Gly; replaces aspartic acid 113 with glycine.
Molecular consequence: missense variant.
Genome position (GRCh38, 1-based): chr2:69,363,556, T>C on the plus strand (A>G on the coding strand, the complement: GFPT1 is on the minus strand). VCF-style: chr2-69363556-T-C. GRCh37 (hg19) VCF-style: chr2-69590688-T-C.
Other names: c.338A>G, p.Asp113Gly (NM_002056.4); short protein forms D113G.
Identifiers: ClinVar variation 834413 (VCV000834413.11), dbSNP rs539052842, ClinGen allele CA1693924.
Genomic context (GRCh38, chr2:69,363,556, plus strand): 5'-ATTATTAGGTTTCCACAATCATTCCAAAGCACAAAAAATCTTTCCATACCATTATTTTTA[T>C]CAGAGCGCTGGGGGTGGCTATTGACAGGACTGGGTTCTCCATGTGTTGCCCAACGGGTAT-3'
Protein context (NP_001231639.1, residues 103-123): SPVNSHPQRS[Asp113Gly]KNNEFIVIHN